The following is an entry in ClinVar:

NM_001079872.2(CUL4B):c.1396C>T (p.Arg466Ter)

Gene: CUL4B (cullin 4B; minus strand). Cytogenetic location: Xq24.
Variant type: single nucleotide variant.
Coding change: c.1396C>T on transcript NM_001079872.2 (MANE Select); coding-DNA position 1396, C replaced by T.
Protein change: p.Arg466Ter; replaces arginine 466 with a stop codon.
Molecular consequence: nonsense.
Genome position (GRCh38, 1-based): chrX:120,541,649, G>A on the plus strand (C>T on the coding strand, the complement: CUL4B is on the minus strand). VCF-style: chrX-120541649-G-A. GRCh37 (hg19) VCF-style: chrX-119675504-G-A.
Other names: c.1411C>T, p.Arg471Ter (NM_001330624.2); c.862C>T, p.Arg288Ter (NM_001369145.1); c.1450C>T, p.Arg484Ter (NM_003588.4); short protein forms R288*, R484*, R466*, R471*.
Identifiers: ClinVar variation 666344 (VCV000666344.2), dbSNP rs905353542, ClinGen allele CA414197180.

ClinVar aggregate classification (germline): Likely pathogenic. Review status: criteria provided, single submitter (1 of 4 stars). 2 submissions from 2 submitters: Likely pathogenic (1). 1 of the submissions does not count toward it. Last evaluated 2014-01-01.

Conditions:
X-linked intellectual disability Cabezas type (MRXSC). Also called: Intellectual developmental disorder, X-linked syndromic, Cabezas type; CABEZAS SYNDROME; MENTAL RETARDATION, X-LINKED, SYNDROMIC 15. Identifiers: Orphanet 85289, Orphanet 85293, MedGen C1845861, MONDO:0010306, OMIM 300354.

Submissions (2):

Equipe Genetique des Anomalies du Developpement, Université de Bourgogne
Classification: Likely pathogenic for X-linked intellectual disability Cabezas type. Last evaluated: 2014-01-01. Review status: criteria provided, single submitter. Criteria: ACMG Guidelines, 2007. Collection method: clinical testing. Allele origin: inherited. Affected: yes.

Solve-RD Consortium
Classification: Likely pathogenic for X-linked intellectual disability Cabezas type. Last evaluated: 2022-06-01. Review status: no assertion criteria provided. Collection method: provider interpretation. Allele origin: inherited. Affected: yes. Not counted in ClinVar's aggregate classification.
Comment: Variant confirmed as disease-causing by referring clinical team

Variant identified during reanalysis of unsolved cases by the Solve-RD project. The Solve-RD project has received funding from the European Union’s Horizon 2020 research and innovation programme under grant agreement No 779257.

Literature cited by the submitters: PubMed 39825153 (cited by Solve-RD Consortium).